The following is an entry in ClinVar:

ClinVar aggregate classification (germline): Uncertain significance (1 of 4 stars; one submission).

Conditions:
X-linked lymphoproliferative disease due to XIAP deficiency. Also called: XIAP-Related Lymphoproliferative Disease, X-Linked; XIAP DEFICIENCY. Identifiers: Orphanet 2442, Orphanet 538934, MedGen C1845076, MONDO:0010385, OMIM 300635.

Allele frequency attached by ClinVar (database versions not stated): gnomAD exomes below 0.00001; TOPMed below 0.00001; ExAC 0.00001; gnomAD 0.00001.
gnomAD v4.1: 3 of 1,125,917 alleles (0.00027%); highest among the groups gnomAD compares: Non-Finnish European, 0.00036%; no homozygotes.

Submission:

Labcorp Genetics (formerly Invitae), Labcorp
Classification: Uncertain significance for X-linked lymphoproliferative disease due to XIAP deficiency. Last evaluated: 2025-08-16. Review status: criteria provided, single submitter. Criteria: Invitae Variant Classification Sherloc (09022015). Collection method: clinical testing. Allele origin: germline.
Comment: This sequence change replaces isoleucine, which is neutral and non-polar, with valine, which is neutral and non-polar, at codon 339 of the XIAP protein (p.Ile339Val). The frequency data for this variant in the population databases is considered unreliable, as metrics indicate poor data quality at this position in the gnomAD database. This variant has not been reported in the literature in individuals affected with XIAP-related conditions. ClinVar contains an entry for this variant (Variation ID: 1988882). Invitae Evidence Modeling of protein sequence and biophysical properties (such as structural, functional, and spatial information, amino acid conservation, physicochemical variation, residue mobility, and thermodynamic stability) indicates that this missense variant is not expected to disrupt XIAP protein function with a negative predictive value of 80%. In summary, the available evidence is currently insufficient to determine the role of this variant in disease. Therefore, it has been classified as a Variant of Uncertain Significance.

NM_001167.4(XIAP):c.1015A>G (p.Ile339Val)

Gene: XIAP (X-linked inhibitor of apoptosis; plus strand). Cytogenetic location: Xq25.
Variant type: single nucleotide variant.
Coding change: c.1015A>G on transcript NM_001167.4 (MANE Select); coding-DNA position 1015, A replaced by G.
Protein change: p.Ile339Val; replaces isoleucine 339 with valine.
Molecular consequence: missense variant. On other transcripts: non-coding transcript variant (2).
Genome position (GRCh38, 1-based): chrX:123,891,275, A>G. VCF-style: chrX-123891275-A-G. GRCh37 (hg19) VCF-style: chrX-123025125-A-G.
Other names: c.1015A>G, p.Ile339Val (NM_001204401.2, NM_001378590.1, NM_001378591.1 and 1 more transcripts); short protein forms I339V.
Identifiers: ClinVar variation 1988882 (VCV001988882.4), dbSNP rs779388079, ClinGen allele CA10508095.